The following is an entry in ClinVar:

ClinVar aggregate classification (germline): Conflicting classifications of pathogenicity. Review status: criteria provided, conflicting classifications (1 of 4 stars). 6 submissions from 6 submitters: Uncertain significance (3); Benign (1); Likely benign (1). 1 of the submissions does not count toward it. Last evaluated 2026-01-12.

Conditions:
UNC119-related disorder. Also called: UNC119-related condition.
Idiopathic CD4 lymphocytopenia. Also called: IDIOPATHIC CD4 LYMPHOPENIA; Immunodeficiency 13. Identifiers: Orphanet 228000, MedGen C3809768, MONDO:0014226, OMIM 615518.
Cone-rod dystrophy. Also called: Cone/cone-rod dystrophy; Cone-rod degeneration. Identifiers: Orphanet 1872, MedGen C4085590, MONDO:0015993, HP:0000548.

Allele frequency attached by ClinVar (database versions not stated): TOPMed 0.00045; gnomAD 0.00051 and 0.00053; gnomAD exomes 0.00063 and 0.00093; ExAC 0.00065; ESP Exome Variant Server 0.00085.
gnomAD v4.1: 1,418 of 1,614,162 alleles (0.088%); highest among the groups gnomAD compares: Non-Finnish European, 0.11%; 2 homozygotes.

Submissions (6):

Labcorp Genetics (formerly Invitae), Labcorp
Classification: Uncertain significance. Last evaluated: 2026-01-12. Review status: criteria provided, single submitter. Criteria: Invitae Variant Classification Sherloc (09022015). Collection method: clinical testing. Allele origin: germline.
Comment: This sequence change replaces arginine, which is basic and polar, with cysteine, which is neutral and slightly polar, at codon 168 of the UNC119 protein (p.Arg168Cys). This variant is present in population databases (rs146916036, gnomAD 0.1%), and has an allele count higher than expected for a pathogenic variant. This variant has not been reported in the literature in individuals affected with UNC119-related conditions. ClinVar contains an entry for this variant (Variation ID: 322464). An algorithm developed to predict the effect of missense changes on protein structure and function (PolyPhen-2) suggests that this variant is likely to be disruptive. In summary, the available evidence is currently insufficient to determine the role of this variant in disease. Therefore, it has been classified as a Variant of Uncertain Significance.

Blueprint Genetics
Classification: Likely benign. Last evaluated: 2024-10-29. Review status: criteria provided, single submitter. Criteria: ACMG Guidelines, 2015. Collection method: clinical testing. Allele origin: germline.

Center for Genomics, Ann and Robert H. Lurie Children's Hospital of Chicago
Classification: Uncertain significance for Idiopathic CD4 lymphocytopenia. Last evaluated: 2021-03-30. Review status: criteria provided, single submitter. Criteria: ACMG Guidelines, 2015. Collection method: clinical testing. Allele origin: germline.
Comment: UNC119 NM_005148.3 exon 4 p.Arg168Cys (c.502C>T): This variant has not been reported in the literature but is present in 123/126704 European alleles in the Genome Aggregation Database. This variant is present in ClinVar (Variation ID:322464). Evolutionary conservation and computational predictive tools suggest that this variant may impact the protein. In summary, data on this variant is insufficient for disease classification. Therefore, the clinical significance of this variant is uncertain.

GeneDx
Classification: Uncertain significance. Last evaluated: 2020-03-16. Review status: criteria provided, single submitter. Criteria: GeneDx Variant Classification Process June 2021. Collection method: clinical testing. Allele origin: germline. Affected: yes.
Comment: In silico analysis supports that this missense variant has a deleterious effect on protein structure/function; Has not been previously published as pathogenic or benign to our knowledge

Illumina Laboratory Services, Illumina
Classification: Benign for Cone-rod dystrophy. Last evaluated: 2018-01-13. Review status: criteria provided, single submitter. Criteria: ICSL Variant Classification Criteria 13 December 2019. Collection method: clinical testing. Allele origin: germline.
Comment: This variant was observed in the ICSL laboratory as part of a predisposition screen in an ostensibly healthy population. It had not been previously curated by ICSL or reported in the Human Gene Mutation Database (HGMD: prior to June 1st, 2018), and was therefore a candidate for classification through an automated scoring system. Utilizing variant allele frequency, disease prevalence and penetrance estimates, and inheritance mode, an automated score was calculated to assess if this variant is too frequent to cause the disease. Based on the score and internal cut-off values, a variant classified as benign is not then subjected to further curation. The score for this variant resulted in a classification of benign for this disease.

PreventionGenetics, part of Exact Sciences
Classification: Likely benign for UNC119-related condition. Last evaluated: 2024-08-11. Review status: no assertion criteria provided. Collection method: clinical testing. Allele origin: germline. Not counted in ClinVar's aggregate classification.
Comment: This variant is classified as likely benign based on ACMG/AMP sequence variant interpretation guidelines (Richards et al. 2015 PMID: 25741868, with internal and published modifications).

NM_005148.4(UNC119):c.502C>T (p.Arg168Cys)

Gene: UNC119 (unc-119 lipid binding chaperone; minus strand). Cytogenetic location: 17q11.2.
Variant type: single nucleotide variant.
Coding change: c.502C>T on transcript NM_005148.4 (MANE Select); coding-DNA position 502, C replaced by T.
Protein change: p.Arg168Cys; replaces arginine 168 with cysteine.
Molecular consequence: missense variant.
Genome position (GRCh38, 1-based): chr17:28,547,785, G>A on the plus strand (C>T on the coding strand, the complement: UNC119 is on the minus strand). VCF-style: chr17-28547785-G-A. GRCh37 (hg19) VCF-style: chr17-26874803-G-A.
Other names: c.217C>T, p.Arg73Cys (NM_001330166.2); c.502C>T, p.Arg168Cys (NM_054035.2); short protein forms R168C, R73C.
Identifiers: ClinVar variation 322464 (VCV000322464.22), dbSNP rs146916036, ClinGen allele CA8459764.